The following is an entry in ClinVar:

ClinVar aggregate classification (germline): Uncertain significance (1 of 4 stars; one submission).

Submission:

Ambry Genetics
Classification: Uncertain significance. Last evaluated: 2025-11-26. Review status: criteria provided, single submitter. Criteria: Ambry Variant Classification Scheme 2023. Collection method: clinical testing. Allele origin: germline.
Comment: The p.G954D variant (also known as c.2861G>A), located in coding exon 25 of the KIF1B gene, results from a G to A substitution at nucleotide position 2861. The glycine at codon 954 is replaced by aspartic acid, an amino acid with similar properties. This amino acid position is highly conserved in available vertebrate species. In addition, this alteration is predicted to be deleterious by in silico analysis. Since supporting evidence is limited at this time, the clinical significance of this alteration remains unclear.

NM_001365951.3(KIF1B):c.2999G>A (p.Gly1000Asp)

Gene: KIF1B (kinesin family member 1B; plus strand). Cytogenetic location: 1p36.22.
Variant type: single nucleotide variant.
Coding change: c.2999G>A on transcript NM_001365951.3 (MANE Select); coding-DNA position 2999, G replaced by A.
Protein change: p.Gly1000Asp; replaces glycine 1000 with aspartic acid.
Molecular consequence: missense variant.
Genome position (GRCh38, 1-based): chr1:10,334,594, G>A. VCF-style: chr1-10334594-G-A. GRCh37 (hg19) VCF-style: chr1-10394652-G-A.
Other names: c.2999G>A, p.Gly1000Asp (NM_001365952.1); c.2861G>A, p.Gly954Asp (NM_015074.3); short protein forms G1000D, G954D.
Identifiers: ClinVar variation 1796966 (VCV001796966.3), dbSNP rs2521700695, ClinGen allele CA338338763.